The following is an entry in ClinVar:

ClinVar aggregate classification (germline): Pathogenic (1 of 4 stars; one submission).

Conditions:
Long QT syndrome (LQTS). Identifiers: MedGen C0023976, MeSH D008133, MONDO:0002442. Disease mechanism: loss of function. Inheritance: Various modes of inheritance.

Submission:

Labcorp Genetics (formerly Invitae), Labcorp
Classification: Pathogenic for Long QT syndrome. Last evaluated: 2023-07-17. Review status: criteria provided, single submitter. Criteria: Invitae Variant Classification Sherloc (09022015). Collection method: clinical testing. Allele origin: germline.
Comment: This variant has not been reported in the literature in individuals affected with KCNH2-related conditions. This variant is not present in population databases (gnomAD no frequency). This variant, c.1966_1989del, results in the deletion of 8 amino acid(s) of the KCNH2 protein (p.Phe656_Ile663del), but otherwise preserves the integrity of the reading frame. ClinVar contains an entry for this variant (Variation ID: 941189). For these reasons, this variant has been classified as Pathogenic. This variant disrupts a region of the KCNH2 protein in which other variant(s) (p.Gly657Ser) have been determined to be pathogenic (PMID: 17823114, 19841300, 25348405, 26958806). This suggests that this is a clinically significant region of the protein, and that variants that disrupt it are likely to be disease-causing.

Literature cited by the submitters: PubMed 17823114; PubMed 19841300; PubMed 25348405; PubMed 26958806.

NM_000238.4(KCNH2):c.1966_1989del (p.Phe656_Ile663del)

Gene: KCNH2 (potassium voltage-gated channel subfamily H member 2; minus strand). Cytogenetic location: 7q36.1.
Variant type: Deletion.
Coding change: c.1966_1989del on transcript NM_000238.4 (MANE Select); coding-DNA positions 1966 to 1989, 24 bases deleted (TTCGGCAACGTGTCGGCCATCATC).
Protein change: p.Phe656_Ile663del.
Molecular consequence: inframe deletion. On other transcripts: inframe indel (6).
Genome position (GRCh38, 1-based): chr7:150,951,077-150,951,100, GATGATGGCCGACACGTTGCCGAA deleted on the plus strand (TTCGGCAACGTGTCGGCCATCATC on the coding strand, the reverse complement: KCNH2 is on the minus strand); deleting any 24 consecutive bases within chr7:150,951,077-150,951,104 gives the same sequence; the c. name uses the placement nearest the transcript's 3' end. VCF-style (leftmost placement, unchanged base first): chr7-150951076-GGATGATGGCCGACACGTTGCCGAA-G. GRCh37 (hg19) VCF-style: chr7-150648164-GGATGATGGCCGACACGTTGCCGAA-G.
Other names: c.1962_1985del24, p.Phe656_Ile663del (NM_000238.3, NM_172056.3); c.946_969del, p.Phe316_Ile323del (NM_001204798.2, NM_172057.3); c.1674_1697del24, p.Phe560_Ile567del (NM_001406753.1, NM_001406756.1); c.1785_1808del24, p.Phe597_Ile604del (NM_001406755.1); c.1662_1685del24, p.Phe556_Ile563del (NM_001406757.1).
Identifiers: ClinVar variation 941189 (VCV000941189.11), dbSNP rs1801134712, ClinGen allele CA1139660306.